The following is an entry in ClinVar:

NM_000038.6(APC):c.1286del (p.Pro429fs)

Gene: APC (APC regulator of Wnt signaling pathway; plus strand). Cytogenetic location: 5q22.2.
Variant type: Deletion.
Coding change: c.1286del on transcript NM_000038.6 (MANE Select); coding-DNA position 1286, one base deleted (C; older notation c.1286delC).
Protein change: p.Pro429fs; shifts the reading frame from proline 429.
Molecular consequence: frameshift variant.
Genome position (GRCh38, 1-based): chr5:112,819,318, C deleted; the last of 2 consecutive C bases (chr5:112,819,317-112,819,318); deleting either gives the same sequence. VCF-style (leftmost placement, unchanged base first): chr5-112819316-AC-A. GRCh37 (hg19) VCF-style: chr5-112155013-AC-A.
Other names: c.1286del, p.Pro429fs (NM_001127510.3, NM_001354895.2, NM_001354896.2); c.1232del, p.Pro411fs (NM_001127511.3); c.1316del, p.Pro439fs (NM_001354897.2); c.1211del, p.Pro404fs (NM_001354898.2); c.1202del, p.Pro401fs (NM_001354899.2); c.1109del, p.Pro370fs (NM_001354900.2, NM_001354901.2); c.1013del, p.Pro338fs (NM_001354902.2); c.983del, p.Pro328fs (NM_001354903.2); and 3 more; short protein forms P328fs, P411fs, P303fs, P370fs, P401fs, P439fs, P146fs, P269fs.
Identifiers: ClinVar variation 818804 (VCV000818804.4), dbSNP rs1580531584, ClinGen allele CA645562776.
Genomic context (GRCh38, chr5:112,819,316, plus strand): 5'-TCTTTTGGAACAGATACGCGCTTACTGTGAAACCTGTTGGGAGTGGCAGGAAGCTCATGA[AC>A]CAGGCATGGACCAGGACAAAAATCCAAGTATGTTCTCTATAGTGTACATCGTAGTGCATG-3'

ClinVar aggregate classification (germline): Pathogenic (1 of 4 stars; one submission).

Conditions:
Hereditary cancer-predisposing syndrome. Also called: Tumor predisposition; Hereditary neoplastic syndrome; Neoplastic Syndromes, Hereditary; Hereditary Cancer Syndrome. Identifiers: Orphanet 140162, MedGen C0027672, MeSH D009386, MONDO:0015356.

Submission:

Ambry Genetics
Classification: Pathogenic for Hereditary cancer-predisposing syndrome. Last evaluated: 2019-04-01. Review status: criteria provided, single submitter. Criteria: Ambry Variant Classification Scheme 2023. Collection method: clinical testing. Allele origin: germline.
Comment: The c.1286delC pathogenic mutation, located in coding exon 9 of the APC gene, results from a deletion of one nucleotide at nucleotide position 1286, causing a translational frameshift with a predicted alternate stop codon (p.P429Qfs*25). This alteration is expected to result in loss of function by premature protein truncation or nonsense-mediated mRNA decay. As such, this alteration is interpreted as a disease-causing mutation.